The following is an entry in ClinVar:

ClinVar aggregate classification (germline): Pathogenic. Review status: criteria provided, multiple submitters, no conflicts (2 of 4 stars). 3 submissions from 3 submitters: Pathogenic (3). Last evaluated 2025-05-15.

Conditions:
Hereditary breast ovarian cancer syndrome. Also called: Hereditary breast and ovarian cancer syndrome; Breast and ovarian cancer; Hereditary breast and/or ovarian cancer syndrome; Hereditary breast and ovarian cancer; BRCA1- and BRCA2-Associated Hereditary Breast and Ovarian Cancer; Hereditary breast and ovarian cancer syndrome (HBOC). Identifiers: Orphanet 145, MedGen C0677776, MeSH D061325, MONDO:0003582. Disease mechanism: loss of function.

Submissions (3):

GeneKor MSA
Classification: Pathogenic for Hereditary breast ovarian cancer syndrome. Last evaluated: 2025-05-15. Review status: criteria provided, single submitter. Criteria: ACMG Guidelines, 2015. Collection method: clinical testing. Allele origin: germline.
Comment: This a single nucleotide deletion in exon 3 of the BRCA2 mRNA c.(156del), causing a frameshift after codon 156. This creates a premature translational stop signal 28 amino acid residues later p.(His52Glnfs*28) and is expected to result in an absent or disrupted protein product. Truncating variants in BRCA2 are known to be pathogenic (PMID:20104584). This variant is not present in population databases (rs2072285986) but the mutation database ClinVar contains entries for this variant where it is listed as pathogenic (VCV000850103.7). Based on the classification criteria set by the ACMG and AMP (PMID:25741868) this variant has been classified as pathogenic.

GeneDx
Classification: Pathogenic. Last evaluated: 2025-03-03. Review status: criteria provided, single submitter. Criteria: GeneDx Variant Classification Process June 2021. Collection method: clinical testing. Allele origin: germline. Affected: yes.
Comment: Frameshift variant predicted to result in protein truncation or nonsense mediated decay in a gene for which loss of function is a known mechanism of disease; Not observed at significant frequency in large population cohorts (gnomAD); Truncating variants in this gene are considered pathogenic by a well-established clinical consortium and/or database; Has not been previously published as pathogenic or benign to our knowledge; Also known as 384del

Labcorp Genetics (formerly Invitae), Labcorp
Classification: Pathogenic for Hereditary breast ovarian cancer syndrome. Last evaluated: 2023-03-26. Review status: criteria provided, single submitter. Criteria: Invitae Variant Classification Sherloc (09022015). Collection method: clinical testing. Allele origin: germline.
Comment: For these reasons, this variant has been classified as Pathogenic. ClinVar contains an entry for this variant (Variation ID: 850103). This variant has not been reported in the literature in individuals affected with BRCA2-related conditions. This variant is not present in population databases (gnomAD no frequency). This sequence change creates a premature translational stop signal (p.His52Glnfs*28) in the BRCA2 gene. It is expected to result in an absent or disrupted protein product. Loss-of-function variants in BRCA2 are known to be pathogenic (PMID: 20104584).

Literature cited by the submitters: PubMed 20104584 (cited by GeneKor MSA and Labcorp Genetics (formerly Invitae), Labcorp).

NM_000059.4(BRCA2):c.156del (p.His52fs)

Gene: BRCA2 (BRCA2 DNA repair associated; plus strand). Cytogenetic location: 13q13.1.
Variant type: Deletion.
Coding change: c.156del on transcript NM_000059.4 (MANE Select); coding-DNA position 156, one base deleted (T; older notation c.156delT).
Protein change: p.His52fs; shifts the reading frame from histidine 52.
Molecular consequence: frameshift variant.
Genome position (GRCh38, 1-based): chr13:32,319,165, T deleted. VCF-style (leftmost placement, unchanged base first): chr13-32319164-AT-A. GRCh37 (hg19) VCF-style: chr13-32893301-AT-A.
Other names: short protein forms H52fs.
Identifiers: ClinVar variation 850103 (VCV000850103.10), dbSNP rs2072285986, ClinGen allele CA916080515.